The following is an entry in ClinVar:

ClinVar aggregate classification (germline): Uncertain significance. Review status: criteria provided, multiple submitters, no conflicts (2 of 4 stars). 2 submissions from 2 submitters: Uncertain significance (2). Last evaluated 2025-05-16.

gnomAD v4.1: 3 of 1,612,348 alleles (0.00019%); highest among the groups gnomAD compares: Non-Finnish European, 0.00025%; no homozygotes.

Submissions (2):

Ambry Genetics
Classification: Uncertain significance. Last evaluated: 2025-05-16. Review status: criteria provided, single submitter. Criteria: Ambry Variant Classification Scheme 2023. Collection method: clinical testing. Allele origin: germline.

Labcorp Genetics (formerly Invitae), Labcorp
Classification: Uncertain significance. Last evaluated: 2023-12-01. Review status: criteria provided, single submitter. Criteria: Invitae Variant Classification Sherloc (09022015). Collection method: clinical testing. Allele origin: germline.
Comment: This sequence change replaces histidine, which is basic and polar, with proline, which is neutral and non-polar, at codon 290 of the GEN1 protein (p.His290Pro). This variant is not present in population databases (gnomAD no frequency). This variant has not been reported in the literature in individuals affected with GEN1-related conditions. An algorithm developed to predict the effect of missense changes on protein structure and function (PolyPhen-2) suggests that this variant is likely to be tolerated. In summary, the available evidence is currently insufficient to determine the role of this variant in disease. Therefore, it has been classified as a Variant of Uncertain Significance.

NM_001130009.3(GEN1):c.869A>C (p.His290Pro)

Gene: GEN1 (GEN1 structure-specific endonuclease; plus strand). Cytogenetic location: 2p24.2.
Variant type: single nucleotide variant.
Coding change: c.869A>C on transcript NM_001130009.3 (MANE Select); coding-DNA position 869, A replaced by C.
Protein change: p.His290Pro; replaces histidine 290 with proline.
Molecular consequence: missense variant.
Genome position (GRCh38, 1-based): chr2:17,772,700, A>C. VCF-style: chr2-17772700-A-C. GRCh37 (hg19) VCF-style: chr2-17953967-A-C.
Other names: c.869A>C, p.His290Pro (NM_182625.5); c.869A>C (NM_001130009.1); short protein forms H290P.
Identifiers: ClinVar variation 2960205 (VCV002960205.5), dbSNP rs973291253, ClinGen allele CA345917015.